The following is an entry in ClinVar:

ClinVar aggregate classification (germline): Benign/Likely benign. Review status: criteria provided, multiple submitters, no conflicts (2 of 4 stars). 6 submissions from 6 submitters: Benign (1); Likely benign (4). 1 of the submissions does not count toward it. Last evaluated 2025-09-10.

Conditions:
POLD1-related disorder. Also called: POLD1-related disorders; POLD1-related condition.
Hereditary cancer-predisposing syndrome. Also called: Tumor predisposition; Hereditary Cancer Syndrome; Hereditary neoplastic syndrome; Neoplastic Syndromes, Hereditary. Identifiers: Orphanet 140162, MedGen C0027672, MeSH D009386, MONDO:0015356.
POLD1-related polyposis and colorectal cancer syndrome (CRCS10). Also called: Colorectal cancer 10; COLORECTAL CANCER, SUSCEPTIBILITY TO, ON CHROMOSOME 19q; Colorectal cancer, susceptibility to, 10. Identifiers: Orphanet 220460, MedGen C2675481, MONDO:0012953, OMIM 612591.

Allele frequency attached by ClinVar (database versions not stated): gnomAD exomes 0.00001; gnomAD 0.00003; TOPMed 0.00003; ExAC 0.00004; ESP Exome Variant Server 0.00008; 1000 Genomes Project 0.00020; 1000 Genomes Project 30x 0.00031.
gnomAD v4.1: 8 of 1,594,182 alleles (0.0005%); highest among the groups gnomAD compares: African/African-American, 0.0067%; no homozygotes.

Submissions (6):

Labcorp Genetics (formerly Invitae), Labcorp
Classification: Likely benign for POLD1-related polyposis and colorectal cancer syndrome. Last evaluated: 2025-09-10. Review status: criteria provided, single submitter. Criteria: Invitae Variant Classification Sherloc (09022015). Collection method: clinical testing. Allele origin: germline.

Myriad Genetics, Inc.
Classification: Benign for POLD1-related polyposis and colorectal cancer syndrome. Last evaluated: 2025-02-06. Review status: criteria provided, single submitter. Criteria: Myriad Autosomal Dominant, Autosomal Recessive and X-Linked Classification Criteria (2023). Collection method: clinical testing. Allele origin: unknown.
Comment: This variant is considered benign. This variant is a silent/synonymous amino acid change and it is not expected to impact splicing.

GeneDx
Classification: Likely benign. Last evaluated: 2018-07-25. Review status: criteria provided, single submitter. Criteria: GeneDx Variant Classification Process June 2021. Collection method: clinical testing. Allele origin: germline. Affected: yes.

Quest Diagnostics Nichols Institute San Juan Capistrano
Classification: Likely benign. Last evaluated: 2018-05-22. Review status: criteria provided, single submitter. Criteria: Quest Diagnostics criteria. Collection method: clinical testing. Allele origin: germline.

Ambry Genetics
Classification: Likely benign for Hereditary cancer-predisposing syndrome. Last evaluated: 2016-02-22. Review status: criteria provided, single submitter. Criteria: Ambry Variant Classification Scheme 2023. Collection method: clinical testing. Allele origin: germline.

PreventionGenetics, part of Exact Sciences
Classification: Likely benign for POLD1-related condition. Last evaluated: 2021-12-30. Review status: no assertion criteria provided. Collection method: clinical testing. Allele origin: germline. Not counted in ClinVar's aggregate classification.
Comment: This variant is classified as likely benign based on ACMG/AMP sequence variant interpretation guidelines (Richards et al. 2015 PMID: 25741868, with internal and published modifications).

NM_002691.4(POLD1):c.1461G>A (p.Glu487=)

Gene: POLD1 (DNA polymerase delta 1, catalytic subunit; plus strand). Cytogenetic location: 19q13.33.
Variant type: single nucleotide variant.
Coding change: c.1461G>A on transcript NM_002691.4 (MANE Select); coding-DNA position 1461, G replaced by A.
Protein change: p.Glu487=; no amino-acid change (glutamic acid 487 retained).
Molecular consequence: synonymous variant. On other transcripts: non-coding transcript variant (1).
Genome position (GRCh38, 1-based): chr19:50,406,484, G>A. VCF-style: chr19-50406484-G-A. GRCh37 (hg19) VCF-style: chr19-50909741-G-A.
Other names: c.1461G>A, p.Glu487= (NM_001256849.1, NM_001308632.1).
Identifiers: ClinVar variation 484368 (VCV000484368.23), dbSNP rs149728120, ClinGen allele CA9596143.